The following is an entry in ClinVar:

ClinVar aggregate classification (germline): Benign (1 of 4 stars; one submission).

Conditions:
Familial adenomatous polyposis 1 (FAP1). Also called: POLYPOSIS, ADENOMATOUS INTESTINAL; FAMILIAL ADENOMATOUS POLYPOSIS 1, ATTENUATED. Identifiers: MedGen C2713442, MONDO:0021056, OMIM 175100. Disease mechanism: loss of function.

Submission:

Myriad Genetics, Inc.
Classification: Benign for Familial adenomatous polyposis 1. Last evaluated: 2024-03-01. Review status: criteria provided, single submitter. Criteria: Myriad Autosomal Dominant, Autosomal Recessive and X-Linked Classification Criteria (2023). Collection method: clinical testing. Allele origin: unknown.
Comment: This variant is considered benign. This variant is a silent/synonymous amino acid change and it is not expected to impact splicing.

NM_000038.6(APC):c.1227T>G (p.Leu409=)

Gene: APC (APC regulator of Wnt signaling pathway; plus strand). Cytogenetic location: 5q22.2.
Variant type: single nucleotide variant.
Coding change: c.1227T>G on transcript NM_000038.6 (MANE Select); coding-DNA position 1227, T replaced by G.
Protein change: p.Leu409=; no amino-acid change (leucine 409 retained).
Molecular consequence: synonymous variant. On other transcripts: non-coding transcript variant (2), intron variant (15).
Genome position (GRCh38, 1-based): chr5:112,819,259, T>G. VCF-style: chr5-112819259-T-G. GRCh37 (hg19) VCF-style: chr5-112154956-T-G.
Other names: c.1227T>G, p.Leu409= (NM_001127510.3, NM_001354895.2, NM_001354896.2 and 4 more transcripts); c.1173T>G, p.Leu391= (NM_001127511.3); c.1257T>G, p.Leu419= (NM_001354897.2, NM_001407446.1); c.1152T>G, p.Leu384= (NM_001354898.2, NM_001407451.1); c.1143T>G, p.Leu381= (NM_001354899.2, NM_001407452.1); c.1050T>G, p.Leu350= (NM_001354900.2, NM_001354901.2, NM_001407453.1); c.378T>G, p.Leu126= (NM_001354906.2, NM_001407470.1); c.85-10T>G (NM_001407472.1, NM_001407471.1); and 5 more.
Identifiers: ClinVar variation 3148200 (VCV003148200.1), dbSNP rs2149782807, ClinGen allele CA445960364.